The following is an entry in ClinVar:

GRCh38/hg38 Xq26.3(chrX:136209840-136213009)x0

Gene: FHL1 (four and a half LIM domains 1; plus strand). Cytogenetic location: Xq26.3.
Variant type: copy number loss.
Change: copy number 0 of chrX:136,209,840-136,213,009 (3.2 kb, GRCh38 coordinates, 1-based), cytogenetic band Xq26.3.
Identifiers: ClinVar variation 2579218 (VCV002579218.1).

ClinVar aggregate classification (germline): Uncertain significance (1 of 4 stars; one submission).

Conditions:
X-linked myopathy with postural muscle atrophy. Also called: FHL1-Related Emery-Dreifuss Muscular Dystrophy, X-Linked. Identifiers: Orphanet 178461, MedGen C2678055, MONDO:0010401, OMIM 300696.

Submission:

Broad Center for Mendelian Genomics, Broad Institute of MIT and Harvard
Classification: Uncertain significance for X-linked myopathy with postural muscle atrophy. Last evaluated: 2023-08-24. Review status: criteria provided, single submitter. Criteria: ACMG/ClinGen CNV Guidelines, 2019. Collection method: research. Allele origin: unknown. Inheritance: X-linked inheritance. Affected: yes.
Comment: Inheritance information is unavailable. The patient phenotype is nonspecific, but is consistent with cases described in the literature and/or published databases with overlapping variants. There is overlap with the 3’ end of the FHL1 gene including coding sequence. This intragenic deletion of the last exon in FHL1, and it is unclear if this deletion will impact the protein. Loss of function of EMD is an established disease mechanism in X-linked Emery-Dreifuss muscular dystrophy. In summary, the clinical significance of the variant is uncertain. The ACMG/ClinGen evidence codes and points used in this curation are as follows: 1: 0 points, 2: 0.45 points, 3: 0 points, 4-5: 0.15 points; Total: 0.60 points; Riggs 2020 (PMID: 31690835).